The following is an entry in ClinVar:

ClinVar aggregate classification (germline): Benign (1 of 4 stars; one submission).

Conditions:
Congenital Muscular Dystrophy, alpha-dystroglycan related.

Allele frequency attached by ClinVar (database versions not stated): gnomAD exomes 0.59266; gnomAD 0.72029; TOPMed 0.72235; 1000 Genomes Project 0.81210; 1000 Genomes Project 30x 0.81558.
gnomAD v4.1: 109,460 of 152,670 alleles (72%); highest among the groups gnomAD compares: East Asian, 93%; 40,794 homozygotes.

Submission:

Illumina Laboratory Services, Illumina
Classification: Benign for Congenital Muscular Dystrophy, alpha-dystroglycan related. Last evaluated: 2018-01-13. Review status: criteria provided, single submitter. Criteria: ICSL Variant Classification Criteria 13 December 2019. Collection method: clinical testing. Allele origin: germline.
Comment: This variant was observed in the ICSL laboratory as part of a predisposition screen in an ostensibly healthy population. It had not been previously curated by ICSL or reported in the Human Gene Mutation Database (HGMD: prior to June 1st, 2018), and was therefore a candidate for classification through an automated scoring system. Utilizing variant allele frequency, disease prevalence and penetrance estimates, and inheritance mode, an automated score was calculated to assess if this variant is too frequent to cause the disease. Based on the score and internal cut-off values, a variant classified as benign is not then subjected to further curation. The score for this variant resulted in a classification of benign for this disease.

NM_001101426.4(CRPPA):c.*1677A>G

Gene: CRPPA (CDP-L-ribitol pyrophosphorylase A; minus strand). Cytogenetic location: 7p21.2.
Variant type: single nucleotide variant.
Coding change: c.*1677A>G on transcript NM_001101426.4 (MANE Select); 1677 bases downstream of the stop codon, A replaced by G.
Molecular consequence: 3 prime UTR variant. On other transcripts: non-coding transcript variant (1).
Genome position (GRCh38, 1-based): chr7:16,090,018, T>C on the plus strand (A>G on the coding strand, the complement: CRPPA is on the minus strand). VCF-style: chr7-16090018-T-C. GRCh37 (hg19) VCF-style: chr7-16129643-T-C.
Other names: c.*1677A>G (NM_001101417.4, NM_001368197.1).
Identifiers: ClinVar variation 359556 (VCV000359556.5), dbSNP rs1528136, ClinGen allele CA10628756.